The following is an entry in ClinVar:

NM_017654.4(SAMD9):c.4382A>G (p.Lys1461Arg)

Gene: SAMD9 (sterile alpha motif domain containing 9; minus strand). Cytogenetic location: 7q21.2.
Variant type: single nucleotide variant.
Coding change: c.4382A>G on transcript NM_017654.4 (MANE Select); coding-DNA position 4382, A replaced by G.
Protein change: p.Lys1461Arg; replaces lysine 1461 with arginine.
Molecular consequence: missense variant.
Genome position (GRCh38, 1-based): chr7:93,101,716, T>C on the plus strand (A>G on the coding strand, the complement: SAMD9 is on the minus strand). VCF-style: chr7-93101716-T-C. GRCh37 (hg19) VCF-style: chr7-92731029-T-C.
Other names: c.4382A>G, p.Lys1461Arg (NM_001193307.2); short protein forms K1461R.
Identifiers: ClinVar variation 3792171 (VCV003792171.1).

ClinVar aggregate classification (germline): Uncertain significance (1 of 4 stars; one submission).

Conditions:
Inborn genetic diseases. Identifiers: MedGen C0950123, MeSH D030342.

Submission:

Ambry Genetics
Classification: Uncertain significance for Inborn genetic diseases. Last evaluated: 2025-03-12. Review status: criteria provided, single submitter. Criteria: Ambry Variant Classification Scheme 2023. Collection method: clinical testing. Allele origin: germline.
Comment: The p.K1461R variant (also known as c.4382A>G), located in coding exon 1 of the SAMD9 gene, results from an A to G substitution at nucleotide position 4382. The lysine at codon 1461 is replaced by arginine, an amino acid with highly similar properties. This amino acid position is conserved. In addition, this alteration is predicted to be tolerated by in silico analysis. Based on the available evidence, the clinical significance of this variant remains unclear.